The following is an entry in ClinVar:

ClinVar aggregate classification (germline): Likely benign (0 of 4 stars; one submission).

Conditions:
TMEM94-related disorder. Also called: TMEM94-related condition.

Allele frequency attached by ClinVar (database versions not stated): gnomAD 0.00001; TOPMed 0.00003; 1000 Genomes Project 30x 0.00031; 1000 Genomes Project 0.00040.

Submission:

PreventionGenetics, part of Exact Sciences
Classification: Likely benign for TMEM94-related condition. Last evaluated: 2019-11-12. Review status: no assertion criteria provided. Collection method: clinical testing. Allele origin: germline.
Comment: This variant is classified as likely benign based on ACMG/AMP sequence variant interpretation guidelines (Richards et al. 2015 PMID: 25741868, with internal and published modifications).

NM_014738.6(TMEM94):c.2729-5C>T

Gene: TMEM94 (transmembrane protein 94; plus strand). Cytogenetic location: 17q25.1.
Variant type: single nucleotide variant.
Coding change: c.2729-5C>T on transcript NM_014738.6 (MANE Select); 5 bases into the intron before coding-DNA position 2729, C replaced by T.
Molecular consequence: intron variant.
Genome position (GRCh38, 1-based): chr17:75,495,279, C>T. VCF-style: chr17-75495279-C-T. GRCh37 (hg19) VCF-style: chr17-73491360-C-T.
Other names: c.2741-5C>T (NM_001321149.2); c.2681-5C>T (NM_001351202.2); c.2759-5C>T (NM_001321148.2); c.2756-5C>T (NM_001351203.2).
Identifiers: ClinVar variation 3045346 (VCV003045346.2), dbSNP rs182173871, ClinGen allele CA8762245.